The following is an entry in ClinVar:

NM_000479.5(AMH):c.904C>T (p.Arg302Trp)

Gene: AMH (anti-Mullerian hormone; plus strand). Cytogenetic location: 19p13.3.
Variant type: single nucleotide variant.
Coding change: c.904C>T on transcript NM_000479.5 (MANE Select); coding-DNA position 904, C replaced by T.
Protein change: p.Arg302Trp; replaces arginine 302 with tryptophan.
Molecular consequence: missense variant.
Genome position (GRCh38, 1-based): chr19:2,251,178, C>T. VCF-style: chr19-2251178-C-T. GRCh37 (hg19) VCF-style: chr19-2251177-C-T.
Other names: short protein forms R302W.
Identifiers: ClinVar variation 4535775 (VCV004535775.1).

ClinVar aggregate classification (germline): Uncertain significance (1 of 4 stars; one submission).

gnomAD v4.1: 2 of 1,512,818 alleles (0.00013%); highest among the groups gnomAD compares: South Asian, 0.0012%; no homozygotes.

Submission:

Women's Health and Genetics/Laboratory Corporation of America, LabCorp
Classification: Uncertain significance. Last evaluated: 2025-09-04. Review status: criteria provided, single submitter. Criteria: LabCorp Variant Classification Summary - May 2015. Collection method: clinical testing. Allele origin: germline.
Comment: Variant summary: AMH c.904C>T (p.Arg302Trp) results in a non-conservative amino acid change in the encoded protein sequence. Algorithms developed to predict the effect of missense changes on protein structure and function are either unavailable or do not agree on the potential impact of this missense change. The variant was absent in 109916 control chromosomes. The available data on variant occurrences in the general population are insufficient to allow any conclusion about variant significance. To our knowledge, no occurrence of c.904C>T in individuals affected with AMH-related conditions and no experimental evidence demonstrating its impact on protein function have been reported. No submitters have cited clinical-significance assessments for this variant to ClinVar. Based on the evidence outlined above, the variant was classified as uncertain significance.